The following is an entry in ClinVar:

ClinVar aggregate classification (germline): Uncertain significance (1 of 4 stars; one submission).

Conditions:
ZNF292-related disorder. Also called: ZNF292-related condition.

Allele frequency attached by ClinVar (database versions not stated): gnomAD exomes below 0.00001; gnomAD 0.00001.
gnomAD v4.1: 3 of 1,613,714 alleles (0.00019%); highest among the groups gnomAD compares: Admixed American, 0.0033%; no homozygotes.

Submission:

PreventionGenetics, part of Exact Sciences
Classification: Uncertain significance for ZNF292-related condition. Last evaluated: 2023-05-09. Review status: criteria provided, single submitter. Criteria: ACMG Guidelines, 2015. Collection method: clinical testing. Allele origin: germline.
Comment: The ZNF292 c.2533C>T variant is predicted to result in the amino acid substitution p.Leu845Phe. To our knowledge, this variant has not been reported in the literature or in a large population database, indicating this variant is rare. At this time, the clinical significance of this variant is uncertain due to the absence of conclusive functional and genetic evidence.

NM_015021.3(ZNF292):c.2533C>T (p.Leu845Phe)

Gene: ZNF292 (zinc finger protein 292; plus strand). Cytogenetic location: 6q14.3.
Variant type: single nucleotide variant.
Coding change: c.2533C>T on transcript NM_015021.3 (MANE Select); coding-DNA position 2533, C replaced by T.
Protein change: p.Leu845Phe; replaces leucine 845 with phenylalanine.
Molecular consequence: missense variant.
Genome position (GRCh38, 1-based): chr6:87,256,162, C>T. VCF-style: chr6-87256162-C-T. GRCh37 (hg19) VCF-style: chr6-87965880-C-T.
Other names: c.2113C>T, p.Leu705Phe (NM_001351444.2); short protein forms L705F, L845F.
Identifiers: ClinVar variation 2633178 (VCV002633178.1), dbSNP rs999718686, ClinGen allele CA142837251.